The following is an entry in ClinVar:

NM_004304.5(ALK):c.3886A>G (p.Met1296Val)

Gene: ALK (ALK receptor tyrosine kinase; minus strand). Cytogenetic location: 2p23.2.
Variant type: single nucleotide variant.
Coding change: c.3886A>G on transcript NM_004304.5 (MANE Select); coding-DNA position 3886, A replaced by G.
Protein change: p.Met1296Val; replaces methionine 1296 with valine.
Molecular consequence: missense variant.
Genome position (GRCh38, 1-based): chr2:29,207,223, T>C on the plus strand (A>G on the coding strand, the complement: ALK is on the minus strand). VCF-style: chr2-29207223-T-C. GRCh37 (hg19) VCF-style: chr2-29430089-T-C.
Other names: c.3886A>G (NM_004304.4); c.682A>G, p.Met228Val (NM_001353765.2); short protein forms M228V, M1296V.
Identifiers: ClinVar variation 3723585 (VCV003723585.3).

ClinVar aggregate classification (germline): Uncertain significance. Review status: criteria provided, multiple submitters, no conflicts (2 of 4 stars). 2 submissions from 2 submitters: Uncertain significance (2). Last evaluated 2026-01-14.

Conditions:
Hereditary cancer-predisposing syndrome. Also called: Hereditary Cancer Syndrome; Neoplastic Syndromes, Hereditary; Tumor predisposition; Hereditary neoplastic syndrome. Identifiers: Orphanet 140162, MedGen C0027672, MeSH D009386, MONDO:0015356.
Neuroblastoma, susceptibility to, 3. Also called: ALK-Related Neuroblastic Tumor Susceptibility. Identifiers: Orphanet 635, MedGen C2751681, MONDO:0013083, OMIM 613014.

Submissions (2):

Ambry Genetics
Classification: Uncertain significance for Hereditary cancer-predisposing syndrome. Last evaluated: 2026-01-14. Review status: criteria provided, single submitter. Criteria: Ambry Variant Classification Scheme 2023. Collection method: clinical testing. Allele origin: germline.
Comment: The p.M1296V variant (also known as c.3886A>G), located in coding exon 26 of the ALK gene, results from an A to G substitution at nucleotide position 3886. The methionine at codon 1296 is replaced by valine, an amino acid with highly similar properties. This amino acid position is conserved. In addition, this alteration is predicted to be deleterious by in silico analysis. Based on the available evidence, the clinical significance of this variant remains unclear.

Labcorp Genetics (formerly Invitae), Labcorp
Classification: Uncertain significance for Neuroblastoma, susceptibility to, 3. Last evaluated: 2024-10-23. Review status: criteria provided, single submitter. Criteria: Invitae Variant Classification Sherloc (09022015). Collection method: clinical testing. Allele origin: germline.
Comment: This sequence change replaces methionine, which is neutral and non-polar, with valine, which is neutral and non-polar, at codon 1296 of the ALK protein (p.Met1296Val). This variant is not present in population databases (gnomAD no frequency). This variant has not been reported in the literature in individuals affected with ALK-related conditions. An algorithm developed to predict the effect of missense changes on protein structure and function (PolyPhen-2) suggests that this variant is likely to be disruptive. In summary, the available evidence is currently insufficient to determine the role of this variant in disease. Therefore, it has been classified as a Variant of Uncertain Significance.